The following is an entry in ClinVar:

NM_017649.5(CNNM2):c.2039A>G (p.Asn680Ser)

Gene: CNNM2 (cyclin and CBS domain divalent metal cation transport mediator 2; plus strand). Cytogenetic location: 10q24.32.
Variant type: single nucleotide variant.
Coding change: c.2039A>G on transcript NM_017649.5 (MANE Select); coding-DNA position 2039, A replaced by G.
Protein change: p.Asn680Ser; replaces asparagine 680 with serine.
Molecular consequence: missense variant.
Genome position (GRCh38, 1-based): chr10:103,056,930, A>G. VCF-style: chr10-103056930-A-G. GRCh37 (hg19) VCF-style: chr10-104816687-A-G.
Other names: c.2039A>G, p.Asn680Ser (NM_199076.3); c.2039A>G (NM_017649.3); short protein forms N680S.
Identifiers: ClinVar variation 2973539 (VCV002973539.4), dbSNP rs780922912, ClinGen allele CA5670512.

ClinVar aggregate classification (germline): Uncertain significance. Review status: criteria provided, multiple submitters, no conflicts (2 of 4 stars). 2 submissions from 2 submitters: Uncertain significance (2). Last evaluated 2025-05-07.

Conditions:
Inborn genetic diseases. Identifiers: MedGen C0950123, MeSH D030342.

Allele frequency attached by ClinVar (database versions not stated): gnomAD 0.00001; gnomAD exomes 0.00001; TOPMed 0.00001; ExAC 0.00005.
gnomAD v4.1: 16 of 1,613,458 alleles (0.00099%); highest among the groups gnomAD compares: Admixed American, 0.0017%; no homozygotes.

Submissions (2):

Ambry Genetics
Classification: Uncertain significance for Inborn genetic diseases. Last evaluated: 2025-05-07. Review status: criteria provided, single submitter. Criteria: Ambry Variant Classification Scheme 2023. Collection method: clinical testing. Allele origin: germline.

Labcorp Genetics (formerly Invitae), Labcorp
Classification: Uncertain significance. Last evaluated: 2024-07-17. Review status: criteria provided, single submitter. Criteria: Invitae Variant Classification Sherloc (09022015). Collection method: clinical testing. Allele origin: germline.
Comment: This sequence change replaces asparagine, which is neutral and polar, with serine, which is neutral and polar, at codon 680 of the CNNM2 protein (p.Asn680Ser). This variant is present in population databases (rs780922912, gnomAD 0.004%). This variant has not been reported in the literature in individuals affected with CNNM2-related conditions. Advanced modeling of protein sequence and biophysical properties (such as structural, functional, and spatial information, amino acid conservation, physicochemical variation, residue mobility, and thermodynamic stability) performed at Invitae indicates that this missense variant is not expected to disrupt CNNM2 protein function with a negative predictive value of 80%. In summary, the available evidence is currently insufficient to determine the role of this variant in disease. Therefore, it has been classified as a Variant of Uncertain Significance.